The following is an entry in ClinVar:

ClinVar aggregate classification (germline): Uncertain significance. Review status: criteria provided, multiple submitters, no conflicts (2 of 4 stars). 3 submissions from 3 submitters: Uncertain significance (3). Last evaluated 2025-12-01.

Conditions:
PRPH2-related disorder. Also called: PRPH2-related condition; PRPH2-related disorders. Identifiers: MedGen CN239395.

Allele frequency attached by ClinVar (database versions not stated): TOPMed below 0.00001.
gnomAD v4.1: 6 of 1,609,820 alleles (0.00037%); highest among the groups gnomAD compares: Non-Finnish European, 0.00051%; no homozygotes.

Submissions (3):

CeGaT Center for Human Genetics Tuebingen
Classification: Uncertain significance. Last evaluated: 2025-12-01. Review status: criteria provided, single submitter. Criteria: CeGaT Center For Human Genetics Tuebingen Variant Classification Criteria Version 2. Collection method: clinical testing. Allele origin: germline. Affected: yes. Observed: 1 variant allele.
Comment: PRPH2: PM2, BP4

Labcorp Genetics (formerly Invitae), Labcorp
Classification: Uncertain significance for PRPH2-related disorder. Last evaluated: 2021-08-26. Review status: criteria provided, single submitter. Criteria: Invitae Variant Classification Sherloc (09022015). Collection method: clinical testing. Allele origin: germline.
Comment: This sequence change replaces methionine with isoleucine at codon 265 of the PRPH2 protein (p.Met265Ile). The methionine residue is highly conserved and there is a small physicochemical difference between methionine and isoleucine. This variant is not present in population databases (ExAC no frequency). This variant has not been reported in the literature in individuals affected with PRPH2-related conditions. Algorithms developed to predict the effect of missense changes on protein structure and function output the following: SIFT: "Tolerated"; PolyPhen-2: "Benign"; Align-GVGD: "Class C0". The isoleucine amino acid residue is found in multiple mammalian species, which suggests that this missense change does not adversely affect protein function. In summary, the available evidence is currently insufficient to determine the role of this variant in disease. Therefore, it has been classified as a Variant of Uncertain Significance.

Blueprint Genetics
Classification: Uncertain significance. Last evaluated: 2020-06-09. Review status: criteria provided, single submitter. Criteria: ACMG Guidelines, 2015. Collection method: clinical testing. Allele origin: germline.

NM_000322.5(PRPH2):c.795G>C (p.Met265Ile)

Gene: PRPH2 (peripherin 2; minus strand). Cytogenetic location: 6p21.1.
Variant type: single nucleotide variant.
Coding change: c.795G>C on transcript NM_000322.5 (MANE Select); coding-DNA position 795, G replaced by C.
Protein change: p.Met265Ile; replaces methionine 265 with isoleucine.
Molecular consequence: missense variant.
Genome position (GRCh38, 1-based): chr6:42,704,398, C>G on the plus strand (G>C on the coding strand, the complement: PRPH2 is on the minus strand). VCF-style: chr6-42704398-C-G. GRCh37 (hg19) VCF-style: chr6-42672136-C-G.
Other names: short protein forms M265I.
Identifiers: ClinVar variation 1436867 (VCV001436867.11), dbSNP rs1377914950, ClinGen allele CA364134719.